The following is an entry in ClinVar:

NM_007194.4(CHEK2):c.1282T>C (p.Ser428Pro)

Gene: CHEK2 (checkpoint kinase 2; minus strand). Cytogenetic location: 22q12.1.
Variant type: single nucleotide variant.
Coding change: c.1282T>C on transcript NM_007194.4 (MANE Select); coding-DNA position 1282, T replaced by C.
Protein change: p.Ser428Pro; replaces serine 428 with proline.
Molecular consequence: missense variant.
Genome position (GRCh38, 1-based): chr22:28,695,220, A>G on the plus strand (T>C on the coding strand, the complement: CHEK2 is on the minus strand). VCF-style: chr22-28695220-A-G. GRCh37 (hg19) VCF-style: chr22-29091208-A-G.
Other names: c.1411T>C, p.Ser471Pro (NM_001005735.3); c.619T>C, p.Ser207Pro (NM_001257387.3); c.1081T>C, p.Ser361Pro (NM_001349956.3); c.1195T>C, p.Ser399Pro (NM_145862.3); short protein forms S399P, S428P, S361P, S471P, S207P.
Identifiers: ClinVar variation 653464 (VCV000653464.15), dbSNP rs1182200321, ClinGen allele CA411096245.
Genomic context (GRCh38, chr22:28,695,220, plus strand): 5'-TGAAGTTGTATTTTCCACTGGTGATCTGATCCTTCAGTGACACTTGAGTCCTATGCTCAG[A>G]GAAAGGTGGATACCCACTAAGGCTTAATATTGGTAGAGAGAGAAAGGAAAAGAAATCAAG-3'
Protein context (NP_009125.1, residues 418-438): FICLSGYPPF[Ser428Pro]EHRTQVSLKD

ClinVar aggregate classification (germline): Uncertain significance. Review status: criteria provided, multiple submitters, no conflicts (2 of 4 stars). 4 submissions from 4 submitters: Uncertain significance (4). Last evaluated 2025-02-13.

Conditions:
Familial cancer of breast. Also called: Hereditary breast cancer; BREAST CANCER, FAMILIAL; hereditary breast carcinoma. Identifiers: Orphanet 227535, MedGen C0346153, MONDO:0016419, OMIM 114480. Disease mechanism: loss of function.
Familial prostate cancer. Also called: Hereditary Prostate Cancer. Identifiers: MedGen C2931456, MONDO:0700275, OMIM 176807.
CHEK2-related cancer predisposition (TPDS4). Also called: TUMOR PREDISPOSITION SYNDROME 4; CANCER PREDISPOSITION SYNDROME, CHEK2-RELATED; CHEK2-related cancer susceptibility. Identifiers: Orphanet 524, MedGen C5882668, MONDO:0700271, OMIM 609265.
Bone osteosarcoma. Also called: Osteosarcoma, somatic. Identifiers: Orphanet 668, MedGen C0585442, MONDO:0002629, OMIM 259500.
Hereditary cancer-predisposing syndrome. Also called: Hereditary Cancer Syndrome; Hereditary neoplastic syndrome; Tumor predisposition; Neoplastic Syndromes, Hereditary. Identifiers: Orphanet 140162, MedGen C0027672, MeSH D009386, MONDO:0015356.

Allele frequency attached by ClinVar (database versions not stated): gnomAD 0.00001; TOPMed 0.00001.
gnomAD v4.1: 1 of 1,610,400 alleles (0.000062%); highest among the groups gnomAD compares: African/African-American, 0.0013%; no homozygotes.

Submissions (4):

Labcorp Genetics (formerly Invitae), Labcorp
Classification: Uncertain significance for Familial cancer of breast. Last evaluated: 2025-02-13. Review status: criteria provided, single submitter. Criteria: Invitae Variant Classification Sherloc (09022015). Collection method: clinical testing. Allele origin: germline.
Comment: This sequence change replaces serine, which is neutral and polar, with proline, which is neutral and non-polar, at codon 428 of the CHEK2 protein (p.Ser428Pro). This variant is not present in population databases (gnomAD no frequency). This variant has not been reported in the literature in individuals affected with CHEK2-related conditions. ClinVar contains an entry for this variant (Variation ID: 653464). An algorithm developed to predict the effect of missense changes on protein structure and function (PolyPhen-2) suggests that this variant is likely to be disruptive. RNA analysis performed to evaluate the impact of this missense change on mRNA splicing indicates it does not significantly alter splicing (internal data). This variant disrupts the p.Ser428 amino acid residue in CHEK2. Other variant(s) that disrupt this residue have been determined to be pathogenic (PMID: 15649950, 22419737). This suggests that this residue is clinically significant, and that variants that disrupt this residue are likely to be disease-causing. In summary, the available evidence is currently insufficient to determine the role of this variant in disease. Therefore, it has been classified as a Variant of Uncertain Significance.

Fulgent Genetics
Classification: Uncertain significance for Familial prostate cancer; Bone osteosarcoma; CHEK2-related cancer predisposition. Last evaluated: 2024-04-24. Review status: criteria provided, single submitter. Criteria: ACMG Guidelines, 2015. Collection method: clinical testing. Allele origin: germline.

Ambry Genetics
Classification: Uncertain significance for Hereditary cancer-predisposing syndrome. Last evaluated: 2024-03-19. Review status: criteria provided, single submitter. Criteria: Ambry Variant Classification Scheme 2023. Collection method: clinical testing. Allele origin: germline.
Comment: The p.S428P variant (also known as c.1282T>C), located in coding exon 11 of the CHEK2 gene, results from a T to C substitution at nucleotide position 1282. The serine at codon 428 is replaced by proline, an amino acid with similar properties. This amino acid position is well conserved in available vertebrate species. In addition, the in silico prediction for this alteration is inconclusive. Since supporting evidence is limited at this time, the clinical significance of this alteration remains unclear.

Baylor Genetics
Classification: Uncertain significance for Familial cancer of breast. Last evaluated: 2024-02-18. Review status: criteria provided, single submitter. Criteria: ACMG Guidelines, 2015. Collection method: clinical testing. Allele origin: unknown.

Literature cited by the submitters: PubMed 15649950 (cited by Labcorp Genetics (formerly Invitae), Labcorp); PubMed 22419737 (cited by Labcorp Genetics (formerly Invitae), Labcorp); PubMed 31658756 (cited by Ambry Genetics).